The following is an entry in ClinVar:

ClinVar aggregate classification (germline): Uncertain significance. Review status: criteria provided, multiple submitters, no conflicts (2 of 4 stars). 2 submissions from 2 submitters: Uncertain significance (2). Last evaluated 2025-11-26.

Conditions:
Hereditary cancer-predisposing syndrome. Also called: Neoplastic Syndromes, Hereditary; Tumor predisposition; Hereditary neoplastic syndrome; Hereditary Cancer Syndrome. Identifiers: Orphanet 140162, MedGen C0027672, MeSH D009386, MONDO:0015356.

Submissions (2):

Ambry Genetics
Classification: Uncertain significance for Hereditary cancer-predisposing syndrome. Last evaluated: 2025-11-26. Review status: criteria provided, single submitter. Criteria: Ambry Variant Classification Scheme 2023. Collection method: clinical testing. Allele origin: germline.
Comment: The p.D270G variant (also known as c.809A>G), located in coding exon 8 of the RB1 gene, results from an A to G substitution at nucleotide position 809. The aspartic acid at codon 270 is replaced by glycine, an amino acid with similar properties. This amino acid position is conserved. In addition, this alteration is predicted to be deleterious by in silico analysis. Based on the available evidence, the clinical significance of this variant remains unclear.

Blueprint Genetics
Classification: Uncertain significance. Last evaluated: 2024-03-26. Review status: criteria provided, single submitter. Criteria: ACMG Guidelines, 2015. Collection method: clinical testing. Allele origin: germline.

NM_000321.3(RB1):c.809A>G (p.Asp270Gly)

Gene: RB1 (RB transcriptional corepressor 1; plus strand). Cytogenetic location: 13q14.2.
Variant type: single nucleotide variant.
Coding change: c.809A>G on transcript NM_000321.3 (MANE Select); coding-DNA position 809, A replaced by G.
Protein change: p.Asp270Gly; replaces aspartic acid 270 with glycine.
Molecular consequence: missense variant.
Genome position (GRCh38, 1-based): chr13:48,362,905, A>G. VCF-style: chr13-48362905-A-G. GRCh37 (hg19) VCF-style: chr13-48937041-A-G.
Other names: c.809A>G, p.Asp270Gly (NM_001407165.1, NM_001407166.1); short protein forms D270G.
Identifiers: ClinVar variation 4544326 (VCV004544326.2).